The following is an entry in ClinVar:

NM_004646.4(NPHS1):c.951C>A (p.Cys317Ter)

Gene: NPHS1 (NPHS1 adhesion molecule, nephrin; minus strand). Cytogenetic location: 19q13.12.
Variant type: single nucleotide variant.
Coding change: c.951C>A on transcript NM_004646.4 (MANE Select); coding-DNA position 951, C replaced by A.
Protein change: p.Cys317Ter; replaces cysteine 317 with a stop codon.
Molecular consequence: nonsense.
Genome position (GRCh38, 1-based): chr19:35,849,037, G>T on the plus strand (C>A on the coding strand, the complement: NPHS1 is on the minus strand). VCF-style: chr19-35849037-G-T. GRCh37 (hg19) VCF-style: chr19-36339939-G-T.
Other names: short protein forms C317*.
Identifiers: ClinVar variation 2775654 (VCV002775654.3), dbSNP rs759559801, ClinGen allele CA405406746.
Genomic context (GRCh38, chr19:35,849,037, plus strand): 5'-GGTGACCTGCAGTGTGATGCCGTGCTCCTGGGTCCCTGCAGACACGCTGTTGTGGGCCTC[G>T]CAGCTGAGCTGCGCTCCATGGTCTTCTGGCCTCACGGTCATCACCAGCACACTGCGGGCC-3'

ClinVar aggregate classification (germline): Pathogenic (1 of 4 stars; one submission).

Submission:

Labcorp Genetics (formerly Invitae), Labcorp
Classification: Pathogenic. Last evaluated: 2023-09-01. Review status: criteria provided, single submitter. Criteria: Invitae Variant Classification Sherloc (09022015). Collection method: clinical testing. Allele origin: germline.
Comment: This sequence change creates a premature translational stop signal (p.Cys317*) in the NPHS1 gene. It is expected to result in an absent or disrupted protein product. Loss-of-function variants in NPHS1 are known to be pathogenic (PMID: 11317351, 11854170, 12039988). For these reasons, this variant has been classified as Pathogenic. This variant has not been reported in the literature in individuals affected with NPHS1-related conditions. This variant is not present in population databases (gnomAD no frequency).

Literature cited by the submitters: PubMed 11317351; PubMed 11854170; PubMed 12039988.